The following is an entry in ClinVar:

NM_000868.4(HTR2C):c.8A>G (p.Asn3Ser)

Gene: HTR2C (5-hydroxytryptamine receptor 2C; plus strand). Cytogenetic location: Xq23.
Variant type: single nucleotide variant.
Coding change: c.8A>G on transcript NM_000868.4 (MANE Select); coding-DNA position 8, A replaced by G.
Protein change: p.Asn3Ser; replaces asparagine 3 with serine.
Molecular consequence: missense variant.
Genome position (GRCh38, 1-based): chrX:114,726,944, A>G. VCF-style: chrX-114726944-A-G. GRCh37 (hg19) VCF-style: chrX-113961353-A-G.
Other names: c.8A>G, p.Asn3Ser (NM_001256760.3, NM_001256761.3); short protein forms N3S.
Identifiers: ClinVar variation 3043928 (VCV003043928.3), dbSNP rs142701803, ClinGen allele CA10495347.

ClinVar aggregate classification (germline): Uncertain significance (1 of 4 stars; one submission).

Conditions:
HTR2C-related disorder. Also called: HTR2C-related condition.

Allele frequency attached by ClinVar (database versions not stated): gnomAD exomes 0.00001; ExAC 0.00011; TOPMed 0.00015; gnomAD 0.00016; ESP Exome Variant Server 0.00028.
gnomAD v4.1: 28 of 1,130,825 alleles (0.0025%); highest among the groups gnomAD compares: African/African-American, 0.051%; no homozygotes.

Submission:

PreventionGenetics, part of Exact Sciences
Classification: Uncertain significance for HTR2C-related condition. Last evaluated: 2026-08-17. Review status: criteria provided, single submitter. Criteria: ACMG Guidelines, 2015. Collection method: clinical testing. Allele origin: germline.
Comment: The HTR2C c.8A>G variant is predicted to result in the amino acid substitution p.Asn3Ser. To our knowledge, this variant has not been reported in the literature. This variant is reported in 0.073% of alleles in individuals of African descent in gnomAD, including 2 hemizygotes, which may be too frequent to be a primary cause of disease. Although we suspect that this variant may be benign, the clinical significance of this variant is currently classified as uncertain due to the absence of conclusive functional and genetic evidence.